The following is an entry in ClinVar:

ClinVar aggregate classification (germline): Uncertain significance (1 of 4 stars; one submission).

Submission:

Ambry Genetics
Classification: Uncertain significance. Last evaluated: 2023-02-05. Review status: criteria provided, single submitter. Criteria: Ambry Variant Classification Scheme 2023. Collection method: clinical testing. Allele origin: germline.
Comment: The p.G259E variant (also known as c.776G>A), located in coding exon 8 of the FAM175A gene, results from a G to A substitution at nucleotide position 776. The glycine at codon 259 is replaced by glutamic acid, an amino acid with similar properties. This amino acid position is conserved. In addition, this alteration is predicted to be tolerated by in silico analysis. Since supporting evidence is limited at this time, the clinical significance of this alteration remains unclear.

NM_139076.3(ABRAXAS1):c.776G>A (p.Gly259Glu)

Gene: ABRAXAS1 (abraxas 1, BRCA1 A complex subunit; minus strand). Cytogenetic location: 4q21.23.
Variant type: single nucleotide variant.
Coding change: c.776G>A on transcript NM_139076.3 (MANE Select); coding-DNA position 776, G replaced by A.
Protein change: p.Gly259Glu; replaces glycine 259 with glutamic acid.
Molecular consequence: missense variant.
Genome position (GRCh38, 1-based): chr4:83,463,514, C>T on the plus strand (G>A on the coding strand, the complement: ABRAXAS1 is on the minus strand). VCF-style: chr4-83463514-C-T. GRCh37 (hg19) VCF-style: chr4-84384667-C-T.
Other names: c.449G>A, p.Gly150Glu (NM_001345962.2); short protein forms G259E, G150E.
Identifiers: ClinVar variation 2449148 (VCV002449148.2), dbSNP rs201475497, ClinGen allele CA357256803.
Genomic context (GRCh38, chr4:83,463,514, plus strand): 5'-AATTTTTAGCACAGAAAGTAGAGATGTGTTGTTTACTTACTTGCTGCCTGAATCTGTGCT[C>T]CTCTCCTTTTCTCAATTTCTCGTTTTAATCTGTTTACATCCTTTACTAGTTTATCTACTG-3'
Protein context (NP_620775.2, residues 249-269): RLKREIEKRR[Gly259Glu]AQIQAAREKN